The following is an entry in ClinVar:

ClinVar aggregate classification (germline): Uncertain significance (1 of 4 stars; one submission).

gnomAD v4.1: 2 of 1,611,134 alleles (0.00012%); highest among the groups gnomAD compares: Non-Finnish European, 0.00017%; no homozygotes.

Submission:

Labcorp Genetics (formerly Invitae), Labcorp
Classification: Uncertain significance. Last evaluated: 2024-11-17. Review status: criteria provided, single submitter. Criteria: Invitae Variant Classification Sherloc (09022015). Collection method: clinical testing. Allele origin: germline.
Comment: This sequence change replaces alanine, which is neutral and non-polar, with valine, which is neutral and non-polar, at codon 1600 of the DCHS1 protein (p.Ala1600Val). This variant is not present in population databases (gnomAD no frequency). This variant has not been reported in the literature in individuals affected with DCHS1-related conditions. Invitae Evidence Modeling of protein sequence and biophysical properties (such as structural, functional, and spatial information, amino acid conservation, physicochemical variation, residue mobility, and thermodynamic stability) indicates that this missense variant is not expected to disrupt DCHS1 protein function with a negative predictive value of 80%. In summary, the available evidence is currently insufficient to determine the role of this variant in disease. Therefore, it has been classified as a Variant of Uncertain Significance.

NM_003737.4(DCHS1):c.4799C>T (p.Ala1600Val)

Gene: DCHS1 (dachsous cadherin-related 1; minus strand). Cytogenetic location: 11p15.4.
Variant type: single nucleotide variant.
Coding change: c.4799C>T on transcript NM_003737.4 (MANE Select); coding-DNA position 4799, C replaced by T.
Protein change: p.Ala1600Val; replaces alanine 1600 with valine.
Molecular consequence: missense variant.
Genome position (GRCh38, 1-based): chr11:6,629,908, G>A on the plus strand (C>T on the coding strand, the complement: DCHS1 is on the minus strand). VCF-style: chr11-6629908-G-A. GRCh37 (hg19) VCF-style: chr11-6651139-G-A.
Other names: short protein forms A1600V.
Identifiers: ClinVar variation 3696717 (VCV003696717.2).
Genomic context (GRCh38, chr11:6,629,908, plus strand): 5'-ACCACTGTCAGTACGTGCTCAGCTCGTTGTTCGCGGTCCAACGGCCGCACCACGGACAGC[G>A]CTCCTAGGTGAGCGGTAAGGCAGGTTGGTGGGGACCCCAACACTCCACATCAGCACCTTC-3'
Protein context (NP_003728.1, residues 1590-1610): GHFRLHSSTG[Ala1600Val]LSVVRPLDRE